The following is an entry in ClinVar:

NM_206926.2(SELENON):c.887G>A (p.Arg296Gln)

Gene: SELENON (selenoprotein N; plus strand). Cytogenetic location: 1p36.11.
Variant type: single nucleotide variant.
Coding change: c.887G>A on transcript NM_206926.2 (MANE Select); coding-DNA position 887, G replaced by A.
Protein change: p.Arg296Gln; replaces arginine 296 with glutamine.
Molecular consequence: missense variant.
Genome position (GRCh38, 1-based): chr1:25,809,799, G>A. VCF-style: chr1-25809799-G-A. GRCh37 (hg19) VCF-style: chr1-26136290-G-A.
Other names: c.989G>A, p.Arg330Gln (NM_020451.3); short protein forms R330Q, R296Q.
Identifiers: ClinVar variation 947699 (VCV000947699.12), dbSNP rs758037272, ClinGen allele CA696704.
Genomic context (GRCh38, chr1:25,809,799, plus strand): 5'-CTGCTCAGTTCACCGGCCACATCATCCTCTCCAAAGACGCCACCCACGTCCGCGACTTCC[G>A]GCTCTTCGTGCCCAACCACAGGTGGGAGCTTGACCCTGGCCCAGCCTTGGCTCCCTCCTA-3'
Protein context (NP_996809.1, residues 286-306): SKDATHVRDF[Arg296Gln]LFVPNHRSLN

ClinVar aggregate classification (germline): Uncertain significance. Review status: criteria provided, multiple submitters, no conflicts (2 of 4 stars). 3 submissions from 3 submitters: Uncertain significance (3). Last evaluated 2025-01-23.

Conditions:
Eichsfeld type congenital muscular dystrophy (CMYO3). Also called: MYOPATHY, SEPN1-RELATED; Rigid spine muscular dystrophy 1; SELENON-related myopathy; Congenital myopathy 3 with rigid spine. Identifiers: MedGen C0410180, MONDO:0100100, OMIM 602771.
Inborn genetic diseases. Identifiers: MedGen C0950123, MeSH D030342.

Allele frequency attached by ClinVar (database versions not stated): gnomAD exomes 0.00003 and 0.00006; ExAC 0.00004; TOPMed 0.00004; gnomAD 0.00005 and 0.00006.

Submissions (3):

Labcorp Genetics (formerly Invitae), Labcorp
Classification: Uncertain significance for Eichsfeld type congenital muscular dystrophy. Last evaluated: 2025-01-23. Review status: criteria provided, single submitter. Criteria: Invitae Variant Classification Sherloc (09022015). Collection method: clinical testing. Allele origin: germline.
Comment: This sequence change replaces arginine, which is basic and polar, with glutamine, which is neutral and polar, at codon 330 of the SELENON protein (p.Arg330Gln). This variant is present in population databases (rs758037272, gnomAD 0.02%). This variant has not been reported in the literature in individuals affected with SELENON-related conditions. ClinVar contains an entry for this variant (Variation ID: 947699). An algorithm developed to predict the effect of missense changes on protein structure and function (PolyPhen-2) suggests that this variant¬†is likely to be tolerated. In summary, the available evidence is currently insufficient to determine the role of this variant in disease. Therefore, it has been classified as a Variant of Uncertain Significance.

Ambry Genetics
Classification: Uncertain significance for Inborn genetic diseases. Last evaluated: 2023-06-29. Review status: criteria provided, single submitter. Criteria: Ambry Variant Classification Scheme 2023. Collection method: clinical testing. Allele origin: germline.

Revvity Omics, Revvity
Classification: Uncertain significance for Eichsfeld type congenital muscular dystrophy. Last evaluated: 2022-12-16. Review status: criteria provided, single submitter. Criteria: ACMG Guidelines, 2015. Collection method: clinical testing. Allele origin: germline.